The following is an entry in ClinVar:

NM_001904.4(CTNNB1):c.1697T>C (p.Met566Thr)

Gene: CTNNB1 (catenin beta 1; plus strand). Cytogenetic location: 3p22.1.
Variant type: single nucleotide variant.
Coding change: c.1697T>C on transcript NM_001904.4 (MANE Select); coding-DNA position 1697, T replaced by C.
Protein change: p.Met566Thr; replaces methionine 566 with threonine.
Molecular consequence: missense variant.
Genome position (GRCh38, 1-based): chr3:41,235,737, T>C. VCF-style: chr3-41235737-T-C. GRCh37 (hg19) VCF-style: chr3-41277228-T-C.
Other names: c.1697T>C, p.Met566Thr (NM_001098209.2, NM_001098210.2); c.1676T>C, p.Met559Thr (NM_001330729.2); short protein forms M559T, M566T.
Identifiers: ClinVar variation 1329781 (VCV001329781.5), dbSNP rs2125644592, ClinGen allele CA352235357.

ClinVar aggregate classification (germline): Uncertain significance. Review status: criteria provided, multiple submitters, no conflicts (2 of 4 stars). 2 submissions from 2 submitters: Uncertain significance (2). Last evaluated 2025-02-11.

Allele frequency attached by ClinVar (database versions not stated): gnomAD exomes below 0.00001.
gnomAD v4.1: 2 of 1,614,124 alleles (0.00012%); highest among the groups gnomAD compares: Admixed American, 0.0017%; no homozygotes.

Submissions (2):

GeneDx
Classification: Uncertain significance. Last evaluated: 2025-02-11. Review status: criteria provided, single submitter. Criteria: GeneDx Variant Classification Process June 2021. Collection method: clinical testing. Allele origin: germline. Affected: yes.
Comment: Not observed at significant frequency in large population cohorts (gnomAD); In silico analysis supports that this missense variant has a deleterious effect on protein structure/function; Has not been previously published as pathogenic or benign to our knowledge; This variant is associated with the following publications: (PMID: 27535533)

Labcorp Genetics (formerly Invitae), Labcorp
Classification: Uncertain significance. Last evaluated: 2024-02-23. Review status: criteria provided, single submitter. Criteria: Invitae Variant Classification Sherloc (09022015). Collection method: clinical testing. Allele origin: germline.
Comment: This sequence change replaces methionine, which is neutral and non-polar, with threonine, which is neutral and polar, at codon 566 of the CTNNB1 protein (p.Met566Thr). This variant is not present in population databases (gnomAD no frequency). This variant has not been reported in the literature in individuals affected with CTNNB1-related conditions. ClinVar contains an entry for this variant (Variation ID: 1329781). Advanced modeling of protein sequence and biophysical properties (such as structural, functional, and spatial information, amino acid conservation, physicochemical variation, residue mobility, and thermodynamic stability) performed at Invitae indicates that this missense variant is expected to disrupt CTNNB1 protein function with a positive predictive value of 80%. In summary, the available evidence is currently insufficient to determine the role of this variant in disease. Therefore, it has been classified as a Variant of Uncertain Significance.